The following is an entry in ClinVar:

NM_004407.4(DMP1):c.103-1G>A

Genes: DMP1-AS1 (DMP1 and DSPP antisense RNA 1; minus strand), DMP1 (dentin matrix acidic phosphoprotein 1; plus strand). Cytogenetic location: 4q22.1.
Variant type: single nucleotide variant.
Coding change: c.103-1G>A on transcript NM_004407.4 (MANE Select); the canonical splice acceptor site of the intron before coding-DNA position 103, G replaced by A.
Molecular consequence: splice acceptor variant.
Genome position (GRCh38, 1-based): chr4:87,659,219, G>A. VCF-style: chr4-87659219-G-A. GRCh37 (hg19) VCF-style: chr4-88580371-G-A.
Other names: c.103-1G>A (NM_001079911.3).
Identifiers: ClinVar variation 3591285 (VCV003591285.3).
Genomic context (GRCh38, chr4:87,659,219, plus strand): 5'-TACAATAATGAAATCCATCTGTGAGGGAGTAATTTGTTTTCCTTCCTTTCCTTTTTTGCA[G>A]GGTCATTTGGCTCAGGCACCAACACCACCCTTGGTAACTATCTCATTTACTTTTGTCATA-3'

ClinVar aggregate classification (germline): Likely pathogenic. Review status: criteria provided, multiple submitters, no conflicts (2 of 4 stars). 2 submissions from 2 submitters: Likely pathogenic (2). Last evaluated 2024-06-21.

Conditions:
Hypophosphatemic rickets, autosomal recessive, 1 (ARHR1). Also called: HYPOPHOSPHATEMIA, AUTOSOMAL RECESSIVE. Identifiers: Orphanet 289176, MedGen C4551495, MONDO:0009430, OMIM 241520. Disease mechanism: loss of function.

gnomAD v4.1: 9 of 1,613,742 alleles (0.00056%); highest among the groups gnomAD compares: Non-Finnish European, 0.00068%; no homozygotes.

Submissions (2):

Labcorp Genetics (formerly Invitae), Labcorp
Classification: Likely pathogenic. Last evaluated: 2024-06-21. Review status: criteria provided, single submitter. Criteria: Invitae Variant Classification Sherloc (09022015). Collection method: clinical testing. Allele origin: germline.
Comment: This sequence change affects an acceptor splice site in intron 3 of the DMP1 gene. It is expected to disrupt RNA splicing. Variants that disrupt the donor or acceptor splice site typically lead to a loss of protein function (PMID: 16199547), and loss-of-function variants in DMP1 are known to be pathogenic (PMID: 16294270, 17033621, 19007919). This variant is present in population databases (rs778707612, gnomAD 0.002%). This variant has not been reported in the literature in individuals affected with DMP1-related conditions. Algorithms developed to predict the effect of sequence changes on RNA splicing suggest that this variant may disrupt the consensus splice site. In summary, the currently available evidence indicates that the variant is pathogenic, but additional data are needed to prove that conclusively. Therefore, this variant has been classified as Likely Pathogenic.

Fulgent Genetics
Classification: Likely pathogenic for Hypophosphatemic rickets, autosomal recessive, 1. Last evaluated: 2024-06-12. Review status: criteria provided, single submitter. Criteria: ACMG Guidelines, 2015. Collection method: clinical testing. Allele origin: germline.

Literature cited by the submitters: PubMed 16199547 (cited by Labcorp Genetics (formerly Invitae), Labcorp); PubMed 16294270 (cited by Labcorp Genetics (formerly Invitae), Labcorp); PubMed 17033621 (cited by Labcorp Genetics (formerly Invitae), Labcorp); PubMed 19007919 (cited by Labcorp Genetics (formerly Invitae), Labcorp).